The following is an entry in ClinVar:

NM_006372.5(SYNCRIP):c.247_248del (p.Asp82_Ser83insTer)

Gene: SYNCRIP (synaptotagmin binding cytoplasmic RNA interacting protein; minus strand). Cytogenetic location: 6q14.3.
Variant type: Deletion.
Coding change: c.247_248del on transcript NM_006372.5 (MANE Select); coding-DNA positions 247 to 248, 2 bases deleted (AG; older notation c.247_248delAG).
Protein change: p.Asp82_Ser83insTer.
Molecular consequence: nonsense. On other transcripts: 5 prime UTR variant (4).
Genome position (GRCh38, 1-based): chr6:85,640,465-85,640,466, CT deleted on the plus strand (AG on the coding strand, the reverse complement: SYNCRIP is on the minus strand). VCF-style (leftmost placement, unchanged base first): chr6-85640464-ACT-A. GRCh37 (hg19) VCF-style: chr6-86350182-ACT-A.
Other names: NM_001159673.2:c.-48_-47del; c.-48_-47del (NM_001159673.2, NM_001410938.1, NM_001439159.1); c.247_248del, p.Asp82_Ser83insTer (NM_001159674.2, NM_001159675.2, NM_001159676.2 and 5 more transcripts); c.-184_-183del (NM_001253771.2).
Identifiers: ClinVar variation 4819487 (VCV004819487.1).

ClinVar aggregate classification (germline): Uncertain significance (1 of 4 stars; one submission).

Conditions:
Neurodevelopmental disorder. Identifiers: MedGen C1535926, MeSH D065886, MONDO:0700092.

Submission:

Broad Center for Mendelian Genomics, Broad Institute of MIT and Harvard
Classification: Uncertain significance for Neurodevelopmental disorder. Last evaluated: 2026-03-02. Review status: criteria provided, single submitter. Criteria: ACMG Guidelines, 2015. Collection method: research. Allele origin: germline. Inheritance: Autosomal dominant inheritance.
Comment: Trio exome analysis showed this variant to be de novo. The p.Ser83Ter variant in SYNCRIP has not been previously reported in the literature in individuals with neurodevelopmental disorders, and was absent from large population studies. This nonsense variant leads to a premature termination codon at position 83, which is predicted to lead to a truncated or absent protein. While there is some evidence to suggest that heterozygous loss of function of the SYNCRIP gene is a disease mechanism in neurodevelopmental disorders, this association is not yet strongly established based on the criteria laid out in Tayoun, 2018 (PMID: 30192042). While variants in the SYNCRIP gene have been reported in individuals with neurodevelopmental disorders, this association has not been definitively established. In summary, given the limited information about this gene-disease relationship, the significance of the p.Ser83Ter variant is uncertain.